The following is an entry in ClinVar:

ClinVar aggregate classification (germline): Likely pathogenic (1 of 4 stars; one submission).

gnomAD v4.1: 4 of 1,607,040 alleles (0.00025%); highest among the groups gnomAD compares: Non-Finnish European, 0.00017%; no homozygotes.

Submission:

Labcorp Genetics (formerly Invitae), Labcorp
Classification: Likely pathogenic. Last evaluated: 2025-01-30. Review status: criteria provided, single submitter. Criteria: Invitae Variant Classification Sherloc (09022015). Collection method: clinical testing. Allele origin: germline.
Comment: This sequence change affects a donor splice site in intron 3 of the MYO18B gene. It is expected to disrupt RNA splicing. Variants that disrupt the donor or acceptor splice site typically lead to a loss of protein function (PMID: 16199547), and loss-of-function variants in MYO18B are known to be pathogenic (PMID: 25748484, 32184166, 32637634). This variant is not present in population databases (gnomAD no frequency). This variant has not been reported in the literature in individuals affected with MYO18B-related conditions. ClinVar contains an entry for this variant (Variation ID: 1438807). Algorithms developed to predict the effect of sequence changes on RNA splicing suggest that this variant may disrupt the consensus splice site. In summary, the currently available evidence indicates that the variant is pathogenic, but additional data are needed to prove that conclusively. Therefore, this variant has been classified as Likely Pathogenic.

Literature cited by the submitters: PubMed 16199547; PubMed 25748484; PubMed 32184166; PubMed 32637634.

NM_032608.7(MYO18B):c.198+1G>T

Gene: MYO18B (myosin XVIIIB; plus strand). Cytogenetic location: 22q12.1.
Variant type: single nucleotide variant.
Coding change: c.198+1G>T on transcript NM_032608.7 (MANE Select); the canonical splice donor site of the intron after coding-DNA position 198, G replaced by T.
Molecular consequence: splice donor variant.
Genome position (GRCh38, 1-based): chr22:25,763,390, G>T. VCF-style: chr22-25763390-G-T. GRCh37 (hg19) VCF-style: chr22-26159357-G-T.
Other names: c.198+1G>T (NM_001318245.2).
Identifiers: ClinVar variation 1438807 (VCV001438807.6), dbSNP rs200238351, ClinGen allele CA322776232.